The following is an entry in ClinVar:

NM_003119.4(SPG7):c.1231G>C (p.Asp411His)

Gene: SPG7 (SPG7 matrix AAA peptidase subunit, paraplegin; plus strand). Cytogenetic location: 16q24.3.
Variant type: single nucleotide variant.
Coding change: c.1231G>C on transcript NM_003119.4 (MANE Select); coding-DNA position 1231, G replaced by C.
Protein change: p.Asp411His; replaces aspartic acid 411 with histidine.
Molecular consequence: missense variant.
Genome position (GRCh38, 1-based): chr16:89,532,543, G>C. VCF-style: chr16-89532543-G-C. GRCh37 (hg19) VCF-style: chr16-89598951-G-C.
Other names: c.1231G>C, p.Asp411His (NM_199367.3, NM_001363850.1); short protein forms D411H.
Identifiers: ClinVar variation 4535986 (VCV004535986.1).
Genomic context (GRCh38, chr16:89,532,543, plus strand): 5'-CGGAGCCTCTTTAAGGAAGCCCGAGCCCGGGCCCCCTGCATCGTCTACATCGATGAGATC[G>C]ACGCGGTGGGCAAGAAGCGCTCCACCACCATGTCCGGCTTCTCCAACACGGAGGAGGAGC-3'
Protein context (NP_003110.1, residues 401-421): APCIVYIDEI[Asp411His]AVGKKRSTTM

ClinVar aggregate classification (germline): Uncertain significance (1 of 4 stars; one submission).

gnomAD v4.1: 7 of 1,613,636 alleles (0.00043%); highest among the groups gnomAD compares: African/African-American, 0.0067%; no homozygotes.

Submission:

Women's Health and Genetics/Laboratory Corporation of America, LabCorp
Classification: Uncertain significance. Last evaluated: 2025-09-24. Review status: criteria provided, single submitter. Criteria: LabCorp Variant Classification Summary - May 2015. Collection method: clinical testing. Allele origin: germline.
Comment: Variant summary: SPG7 c.1231G>C (p.Asp411His) results in a non-conservative amino acid change in the encoded protein sequence. Algorithms developed to predict the effect of missense changes on protein structure and function all suggest that this variant is likely to be disruptive. The variant allele was found at a frequency of 1.6e-05 in 250558 control chromosomes. The available data on variant occurrences in the general population are insufficient to allow any conclusion about variant significance. To our knowledge, no occurrence of c.1231G>C in individuals affected with SPG7-related conditions and no experimental evidence demonstrating its impact on protein function have been reported. No submitters have cited clinical-significance assessments for this variant to ClinVar. Based on the evidence outlined above, the variant was classified as uncertain significance.